The following is an entry in ClinVar:

NM_001371596.2(MFSD8):c.1550A>G (p.Gln517Arg)

Gene: MFSD8 (major facilitator superfamily domain containing 8; minus strand). Cytogenetic location: 4q28.2.
Variant type: single nucleotide variant.
Coding change: c.1550A>G on transcript NM_001371596.2 (MANE Select); coding-DNA position 1550, A replaced by G.
Protein change: p.Gln517Arg; replaces glutamine 517 with arginine.
Molecular consequence: missense variant.
Genome position (GRCh38, 1-based): chr4:127,920,637, T>C on the plus strand (A>G on the coding strand, the complement: MFSD8 is on the minus strand). VCF-style: chr4-127920637-T-C. GRCh37 (hg19) VCF-style: chr4-128841792-T-C.
Other names: c.1349A>G, p.Gln450Arg (NM_001363520.3); c.1235A>G, p.Gln412Arg (NM_001363521.3); c.1415A>G, p.Gln472Arg (NM_001371590.2); c.1559A>G, p.Gln520Arg (NM_001371591.2); c.1556A>G, p.Gln519Arg (NM_001371592.2); c.1436A>G, p.Gln479Arg (NM_001371593.2); c.1403A>G, p.Gln468Arg (NM_001371594.2); c.1268A>G, p.Gln423Arg (NM_001371595.1); and 3 more; short protein forms Q412R, Q423R, Q450R, Q468R, Q472R, Q479R, Q517R, Q519R.
Identifiers: ClinVar variation 1010864 (VCV001010864.2), dbSNP rs1443934235, ClinGen allele CA358170314.

ClinVar aggregate classification (germline): Uncertain significance (1 of 4 stars; one submission).

Conditions:
Neuronal ceroid lipofuscinosis 7 (CLN7). Also called: MFSD8-Related Neuronal Ceroid-Lipofuscinosis. Identifiers: Orphanet 168491, Orphanet 228366, MedGen C1838571, MONDO:0012588, OMIM 610951.

Allele frequency attached by ClinVar (database versions not stated): gnomAD exomes below 0.00001; gnomAD 0.00001.
gnomAD v4.1: 2 of 1,613,896 alleles (0.00012%); highest among the groups gnomAD compares: African/African-American, 0.0027%; no homozygotes.

Submission:

Labcorp Genetics (formerly Invitae), Labcorp
Classification: Uncertain significance for Neuronal ceroid lipofuscinosis 7. Last evaluated: 2020-02-22. Review status: criteria provided, single submitter. Criteria: Invitae Variant Classification Sherloc (09022015). Collection method: clinical testing. Allele origin: germline.
Comment: This sequence change replaces glutamine with arginine at codon 517 of the MFSD8 protein (p.Gln517Arg). The glutamine residue is moderately conserved and there is a small physicochemical difference between glutamine and arginine. This variant is not present in population databases (ExAC no frequency). This variant has not been reported in the literature in individuals with MFSD8-related conditions. Algorithms developed to predict the effect of missense changes on protein structure and function (SIFT, PolyPhen-2, Align-GVGD) all suggest that this variant is likely to be tolerated, but these predictions have not been confirmed by published functional studies and their clinical significance is uncertain. In summary, the available evidence is currently insufficient to determine the role of this variant in disease. Therefore, it has been classified as a Variant of Uncertain Significance.